The following is an entry in ClinVar:

ClinVar aggregate classification (germline): Uncertain significance. Review status: criteria provided, multiple submitters, no conflicts (2 of 4 stars). 4 submissions from 4 submitters: Uncertain significance (4). Last evaluated 2025-05-18.

Conditions:
COL9A3-related disorder. Also called: COL9A3-related condition.
Inborn genetic diseases. Identifiers: MedGen C0950123, MeSH D030342.

Allele frequency attached by ClinVar (database versions not stated): ExAC 0.00001; gnomAD 0.00001; TOPMed 0.00003.
gnomAD v4.1: 13 of 1,613,102 alleles (0.00081%); highest among the groups gnomAD compares: South Asian, 0.0011%; no homozygotes.

Submissions (4):

Labcorp Genetics (formerly Invitae), Labcorp
Classification: Uncertain significance. Last evaluated: 2025-05-18. Review status: criteria provided, single submitter. Criteria: Invitae Variant Classification Sherloc (09022015). Collection method: clinical testing. Allele origin: germline.
Comment: This sequence change replaces glycine, which is neutral and non-polar, with serine, which is neutral and polar, at codon 557 of the COL9A3 protein (p.Gly557Ser). This variant is present in population databases (rs761295091, gnomAD 0.0009%). This variant has not been reported in the literature in individuals affected with COL9A3-related conditions. ClinVar contains an entry for this variant (Variation ID: 1989830). Invitae Evidence Modeling of protein sequence and biophysical properties (such as structural, functional, and spatial information, amino acid conservation, physicochemical variation, residue mobility, and thermodynamic stability) indicates that this missense variant is expected to disrupt COL9A3 protein function with a positive predictive value of 95%. In summary, the available evidence is currently insufficient to determine the role of this variant in disease. Therefore, it has been classified as a Variant of Uncertain Significance.

Ambry Genetics
Classification: Uncertain significance for Inborn genetic diseases. Last evaluated: 2025-05-16. Review status: criteria provided, single submitter. Criteria: Ambry Variant Classification Scheme 2023. Collection method: clinical testing. Allele origin: germline.

PreventionGenetics, part of Exact Sciences
Classification: Uncertain significance for COL9A3-related condition. Last evaluated: 2024-10-22. Review status: criteria provided, single submitter. Criteria: ACMG Guidelines, 2015. Collection method: clinical testing. Allele origin: germline.
Comment: The COL9A3 c.1669G>A variant is predicted to result in the amino acid substitution p.Gly557Ser. To our knowledge, this variant has not been reported in the literature. This variant is reported in 0.00088% of alleles in individuals of European (Non-Finnish) descent in gnomAD. At this time, the clinical significance of this variant is uncertain due to the absence of conclusive functional and genetic evidence.

Blueprint Genetics
Classification: Uncertain significance. Last evaluated: 2024-07-24. Review status: criteria provided, single submitter. Criteria: ACMG Guidelines, 2015. Collection method: clinical testing. Allele origin: germline.

NM_001853.4(COL9A3):c.1669G>A (p.Gly557Ser)

Gene: COL9A3 (collagen type IX alpha 3 chain; plus strand). Cytogenetic location: 20q13.33.
Variant type: single nucleotide variant.
Coding change: c.1669G>A on transcript NM_001853.4 (MANE Select); coding-DNA position 1669, G replaced by A.
Protein change: p.Gly557Ser; replaces glycine 557 with serine.
Molecular consequence: missense variant.
Genome position (GRCh38, 1-based): chr20:62,837,148, G>A. VCF-style: chr20-62837148-G-A. GRCh37 (hg19) VCF-style: chr20-61468500-G-A.
Other names: c.1669G>A (NM_001853.3); short protein forms G557S.
Identifiers: ClinVar variation 1989830 (VCV001989830.6), dbSNP rs761295091, ClinGen allele CA9950140.